The following is an entry in ClinVar:

NM_001148.6(ANK2):c.4653C>T (p.Ile1551=)

Gene: ANK2 (ankyrin 2; plus strand). Cytogenetic location: 4q26.
Variant type: single nucleotide variant.
Coding change: c.4653C>T on transcript NM_001148.6 (MANE Select); coding-DNA position 4653, C replaced by T.
Protein change: p.Ile1551=; no amino-acid change (isoleucine 1551 retained).
Molecular consequence: synonymous variant. On other transcripts: intron variant (68).
Genome position (GRCh38, 1-based): chr4:113,353,271, C>T. VCF-style: chr4-113353271-C-T. GRCh37 (hg19) VCF-style: chr4-114274427-C-T.
Other names: c.4653C>T (NM_001148.5); c.4419C>T, p.Ile1473= (NM_001386142.1); c.1053C>T, p.Ile351= (NM_001386166.1); c.4794C>T, p.Ile1598= (NM_001386174.1); c.4770C>T, p.Ile1590= (NM_001386175.1); c.4411+3022C>T (NM_001386186.2, NM_001386148.2); c.4213+3022C>T (NM_001354269.3); c.4291+3022C>T (NM_001386187.2); and 36 more.
Identifiers: ClinVar variation 516574 (VCV000516574.37), dbSNP rs200539502, ClinGen allele CA3051130.
Genomic context (GRCh38, chr4:113,353,271, plus strand): 5'-TATTAAAGTGAAGGAGCTGGTGAAGGCTGCTGAGGAAGAGCCAGGAGAGCCTTTTGAAAT[C>T]GTTGAAAGAGTTAAAGAGGACTTAGAGAAAGTGAATGAAATCCTGAGAAGTGGAACCTGC-3'
Protein context (NP_001139.3, residues 1541-1561): AEEEPGEPFE[Ile1551=]VERVKEDLEK

ClinVar aggregate classification (germline): Likely benign. Review status: criteria provided, multiple submitters, no conflicts (2 of 4 stars). 6 submissions from 6 submitters: Likely benign (6). Last evaluated 2026-09-21.

Conditions:
Cardiovascular phenotype. Identifiers: MedGen CN230736.
Long QT syndrome (LQTS). Identifiers: MedGen C0023976, MeSH D008133, MONDO:0002442. Disease mechanism: loss of function. Inheritance: Various modes of inheritance.

Allele frequency attached by ClinVar (database versions not stated): gnomAD 0.00004; ExAC 0.00006; gnomAD exomes 0.00006 and 0.00008; TOPMed 0.00006; 1000 Genomes Project 30x 0.00016; 1000 Genomes Project 0.00020.
gnomAD v4.1: 130 of 1,613,798 alleles (0.0081%); highest among the groups gnomAD compares: Non-Finnish European, 0.01%; no homozygotes.

Submissions (6):

Molecular Diagnostic Laboratory for Inherited Cardiovascular Disease, Montreal Heart Institute
Classification: Likely benign. Last evaluated: 2026-09-21. Review status: criteria provided, single submitter. Criteria: ACMG Guidelines, 2015. Collection method: clinical testing. Allele origin: germline. Affected: no.

Labcorp Genetics (formerly Invitae), Labcorp
Classification: Likely benign for Long QT syndrome. Last evaluated: 2025-12-10. Review status: criteria provided, single submitter. Criteria: Invitae Variant Classification Sherloc (09022015). Collection method: clinical testing. Allele origin: germline.

CeGaT Center for Human Genetics Tuebingen
Classification: Likely benign. Last evaluated: 2025-06-01. Review status: criteria provided, single submitter. Criteria: CeGaT Center For Human Genetics Tuebingen Variant Classification Criteria Version 2. Collection method: clinical testing. Allele origin: germline. Affected: yes. Observed: 2 variant alleles.
Comment: ANK2: BP4, BP7

Blueprint Genetics
Classification: Likely benign. Last evaluated: 2024-11-04. Review status: criteria provided, single submitter. Criteria: ACMG Guidelines, 2015. Collection method: clinical testing. Allele origin: germline.

GeneDx
Classification: Likely benign. Last evaluated: 2020-10-30. Review status: criteria provided, single submitter. Criteria: GeneDx Variant Classification Process June 2021. Collection method: clinical testing. Allele origin: germline. Affected: yes.

Ambry Genetics
Classification: Likely benign for Cardiovascular phenotype. Last evaluated: 2020-01-24. Review status: criteria provided, single submitter. Criteria: Ambry Variant Classification Scheme 2023. Collection method: clinical testing. Allele origin: germline.